The following is an entry in ClinVar:

ClinVar aggregate classification (germline): Likely pathogenic. Review status: criteria provided, multiple submitters, no conflicts (2 of 4 stars). 2 submissions from 2 submitters: Likely pathogenic (2). Last evaluated 2024-09-12.

Conditions:
Dilated cardiomyopathy 1G (CMD1G). Identifiers: Orphanet 154, MedGen C1858763, MONDO:0011400, OMIM 604145.
Autosomal recessive limb-girdle muscular dystrophy type 2J (LGMDR10). Also called: Limb-girdle muscular dystrophy, type 2J; MUSCULAR DYSTROPHY, LIMB-GIRDLE, AUTOSOMAL RECESSIVE 10. Identifiers: Orphanet 140922, MedGen C1837342, MONDO:0012127, OMIM 608807.

Submissions (2):

Labcorp Genetics (formerly Invitae), Labcorp
Classification: Likely pathogenic for Dilated cardiomyopathy 1G; Autosomal recessive limb-girdle muscular dystrophy type 2J. Last evaluated: 2024-09-12. Review status: criteria provided, single submitter. Criteria: Invitae Variant Classification Sherloc (09022015). Collection method: clinical testing. Allele origin: germline.
Comment: This sequence change creates a premature translational stop signal (p.Leu30189Phefs*4) in the TTN gene. While this is not anticipated to result in nonsense mediated decay, it is expected to create a truncated TTN protein. This variant is not present in population databases (gnomAD no frequency). This premature translational stop signal has been observed in individual(s) with dilated cardiomyopathy (internal data). This variant is located in the A band of TTN (PMID: 25589632). Truncating variants in this region are significantly overrepresented in patients affected with dilated cardiomyopathy (PMID: 25589632). Truncating variants in this region have also been reported in individuals affected with autosomal recessive centronuclear myopathy (PMID: 23975875). In summary, the currently available evidence indicates that the variant is pathogenic, but additional data are needed to prove that conclusively. Therefore, this variant has been classified as Likely Pathogenic.

Clinical Genetics Laboratory, Skane University Hospital Lund
Classification: Likely pathogenic. Last evaluated: 2022-05-27. Review status: criteria provided, single submitter. Criteria: ACMG Guidelines, 2015. Collection method: clinical testing. Allele origin: germline. Affected: yes.

Literature cited by the submitters: PubMed 25589632 (cited by Labcorp Genetics (formerly Invitae), Labcorp); PubMed 23975875 (cited by Labcorp Genetics (formerly Invitae), Labcorp).

NM_001267550.2(TTN):c.90566dup (p.Leu30189fs)

Genes: TTN (titin; minus strand), TTN-AS1 (TTN antisense RNA 1; plus strand). Cytogenetic location: 2q31.2.
Variant type: Duplication.
Coding change: c.90566dup on transcript NM_001267550.2 (MANE Select); coding-DNA position 90566, one base duplicated (T; older notation c.90566dupT).
Protein change: p.Leu30189fs; shifts the reading frame from leucine 30189.
Molecular consequence: frameshift variant.
Genome position (GRCh38, 1-based): chr2:178,552,334, A duplicated on the plus strand (T on the coding strand, the reverse complement: TTN is on the minus strand); the first of 3 consecutive A bases (chr2:178,552,334-178,552,336); duplicating any one gives the same sequence. VCF-style (leftmost placement, unchanged base first): chr2-178552333-C-CA. GRCh37 (hg19) VCF-style: chr2-179417060-C-CA.
Other names: c.85643dup, p.Leu28548fs (NM_001256850.1); c.63371dup, p.Leu21124fs (NM_003319.4); c.82862dup, p.Leu27621fs (NM_133378.4); c.63746dup, p.Leu21249fs (NM_133432.3); c.63947dup, p.Leu21316fs (NM_133437.4); short protein forms L21124fs, L21249fs, L21316fs, L27621fs, L28548fs, L30189fs.
Identifiers: ClinVar variation 3337699 (VCV003337699.3).